The following is an entry in ClinVar:

ClinVar aggregate classification (germline): Uncertain significance (1 of 4 stars; one submission).

Submission:

GeneDx
Classification: Uncertain significance. Last evaluated: 2025-02-25. Review status: criteria provided, single submitter. Criteria: GeneDx Variant Classification Process June 2021. Collection method: clinical testing. Allele origin: germline. Affected: yes.
Comment: In silico analysis supports that this missense variant has a deleterious effect on protein structure/function; Has not been previously published as pathogenic or benign to our knowledge; In silico analysis suggests this variant may impact gene splicing. In the absence of RNA/functional studies, the actual effect of this sequence change is unknown.

NM_033517.1:c.1462G>T

Gene: SHANK3 (SH3 and multiple ankyrin repeat domains 3; plus strand).
Variant type: single nucleotide variant.
Other names: c.1462G>T (NM_033517.1).
Identifiers: ClinVar variation 4076593 (VCV004076593.1).